The following is an entry in ClinVar:

NM_007272.3(CTRC):c.412C>A (p.Gln138Lys)

Gene: CTRC (chymotrypsin C; plus strand). Cytogenetic location: 1p36.21.
Variant type: single nucleotide variant.
Coding change: c.412C>A on transcript NM_007272.3 (MANE Select); coding-DNA position 412, C replaced by A.
Protein change: p.Gln138Lys; replaces glutamine 138 with lysine.
Molecular consequence: missense variant.
Genome position (GRCh38, 1-based): chr1:15,443,474, C>A. VCF-style: chr1-15443474-C-A. GRCh37 (hg19) VCF-style: chr1-15769969-C-A.
Other names: short protein forms Q138K.
Identifiers: ClinVar variation 3226072 (VCV003226072.1), dbSNP rs2526297198, ClinGen allele CA338566122.

ClinVar aggregate classification (germline): Uncertain significance (1 of 4 stars; one submission).

Conditions:
Hereditary pancreatitis (PCTT). Also called: Hereditary chronic pancreatitis; PRSS1-Related Hereditary Pancreatitis. Identifiers: Orphanet 676, MedGen C0238339, MONDO:0008185, OMIM 167800.

Submission:

Ambry Genetics
Classification: Uncertain significance for Hereditary pancreatitis. Last evaluated: 2023-11-11. Review status: criteria provided, single submitter. Criteria: Ambry Variant Classification Scheme 2023. Collection method: clinical testing. Allele origin: germline.
Comment: The p.Q138K variant (also known as c.412C>A), located in coding exon 5 of the CTRC gene, results from a C to A substitution at nucleotide position 412. The glutamine at codon 138 is replaced by lysine, an amino acid with similar properties. This amino acid position is conserved. In addition, this alteration is predicted to be tolerated by in silico analysis. Since supporting evidence is limited at this time, the clinical significance of this alteration remains unclear.